The following is an entry in ClinVar:

NM_001329943.3(KIAA0586):c.2203A>G (p.Thr735Ala)

Gene: KIAA0586 (KIAA0586; plus strand). Cytogenetic location: 14q23.1.
Variant type: single nucleotide variant.
Coding change: c.2203A>G on transcript NM_001329943.3 (MANE Select); coding-DNA position 2203, A replaced by G.
Protein change: p.Thr735Ala; replaces threonine 735 with alanine.
Molecular consequence: missense variant.
Genome position (GRCh38, 1-based): chr14:58,465,978, A>G. VCF-style: chr14-58465978-A-G. GRCh37 (hg19) VCF-style: chr14-58932696-A-G.
Other names: c.2362A>G, p.Thr788Ala (NM_001244189.2); c.2158A>G, p.Thr720Ala (NM_001244190.2); c.1948A>G, p.Thr650Ala (NM_001244191.2, NM_001329945.2, NM_001364700.1 and 1 more transcripts); c.2071A>G, p.Thr691Ala (NM_001244192.2); c.1783A>G, p.Thr595Ala (NM_001244193.2); c.2203A>G, p.Thr735Ala (NM_001329944.2, NM_001329946.2, NM_001329947.2); c.1975A>G, p.Thr659Ala (NM_014749.5); short protein forms T650A, T788A, T595A, T691A, T659A, T720A, T735A.
Identifiers: ClinVar variation 1507353 (VCV001507353.8), dbSNP rs1489902309, ClinGen allele CA389874256.
Genomic context (GRCh38, chr14:58,465,978, plus strand): 5'-GTTCCTGTGTTACCTCATGGCGATCAGCAATATTTGTTCAGCCCAAGTAGAGAAATGCCT[A>G]CTTTTTCAGGTACATTGGAAGGTCATCTGATTCCTATGGCAATTCTTTTAGGTAAGAATC-3'
Protein context (NP_001316872.1, residues 725-745): YLFSPSREMP[Thr735Ala]FSGTLEGHLI

ClinVar aggregate classification (germline): Uncertain significance (1 of 4 stars; one submission).

Conditions:
Short-rib thoracic dysplasia 14 with polydactyly (SRTD14). Identifiers: Orphanet 397715, MedGen C4225286, MONDO:0014688, OMIM 616546.
Joubert syndrome 23 (JBTS23). Identifiers: Orphanet 475, MedGen C4084822, MONDO:0014664, OMIM 616490.

Submission:

Labcorp Genetics (formerly Invitae), Labcorp
Classification: Uncertain significance for Joubert syndrome 23; Short-rib thoracic dysplasia 14 with polydactyly. Last evaluated: 2021-02-03. Review status: criteria provided, single submitter. Criteria: Invitae Variant Classification Sherloc (09022015). Collection method: clinical testing. Allele origin: germline.
Comment: In summary, the available evidence is currently insufficient to determine the role of this variant in disease. Therefore, it has been classified as a Variant of Uncertain Significance. Algorithms developed to predict the effect of missense changes on protein structure and function output the following: SIFT: "Tolerated"; PolyPhen-2: "Benign"; Align-GVGD: "Class C0". The alanine amino acid residue is found in multiple mammalian species, suggesting that this missense change does not adversely affect protein function. These predictions have not been confirmed by published functional studies and their clinical significance is uncertain. This variant has not been reported in the literature in individuals with KIAA0586-related conditions. This variant is not present in population databases (ExAC no frequency). This sequence change replaces threonine with alanine at codon 788 of the KIAA0586 protein (p.Thr788Ala). The threonine residue is moderately conserved and there is a small physicochemical difference between threonine and alanine.